The following is an entry in ClinVar:

NM_006421.5(ARFGEF1):c.2482G>A (p.Ala828Thr)

Gene: ARFGEF1 (ARF guanine nucleotide exchange factor 1; minus strand). Cytogenetic location: 8q13.2.
Variant type: single nucleotide variant.
Coding change: c.2482G>A on transcript NM_006421.5 (MANE Select); coding-DNA position 2482, G replaced by A.
Protein change: p.Ala828Thr; replaces alanine 828 with threonine.
Molecular consequence: missense variant. On other transcripts: non-coding transcript variant (1).
Genome position (GRCh38, 1-based): chr8:67,257,776, C>T on the plus strand (G>A on the coding strand, the complement: ARFGEF1 is on the minus strand). VCF-style: chr8-67257776-C-T. GRCh37 (hg19) VCF-style: chr8-68170011-C-T.
Other names: c.2482G>A, p.Ala828Thr (NM_001413184.1, NM_001413185.1, NM_001413186.1 and 7 more transcripts); c.1882G>A, p.Ala628Thr (NM_001413188.1, NM_001413193.1, NM_001413197.1); c.1057G>A, p.Ala353Thr (NM_001413196.1); short protein forms A353T, A628T, A828T.
Identifiers: ClinVar variation 2571908 (VCV002571908.1), dbSNP rs2491588834, ClinGen allele CA371213579.
Genomic context (GRCh38, chr8:67,257,776, plus strand): 5'-TTAAAAGAAAACATACCTGTGGACTGTGAAGGTCTGTGGTCAACATGATAATTGAATAAG[C>T]CAAAACATAAGCTGTATCCGCACTAGCAAAGAGAGTTTGTCTGGAAAAATAAATGTATCA-3'
Protein context (NP_006412.2, residues 818-838): FASADTAYVL[Ala828Thr]YSIIMLTTDL

ClinVar aggregate classification (germline): Uncertain significance (1 of 4 stars; one submission).

Submission:

GeneDx
Classification: Uncertain significance. Last evaluated: 2023-01-06. Review status: criteria provided, single submitter. Criteria: GeneDx Variant Classification Process June 2021. Collection method: clinical testing. Allele origin: germline. Affected: yes.
Comment: Not observed at significant frequency in large population cohorts (gnomAD); In silico analysis supports that this missense variant has a deleterious effect on protein structure/function; Has not been previously published as pathogenic or benign to our knowledge